The following is an entry in ClinVar:

NM_002474.3(MYH11):c.5500G>A (p.Ala1834Thr)

Genes: NDE1 (nudE neurodevelopment protein 1; plus strand), MYH11 (myosin heavy chain 11; minus strand). Cytogenetic location: 16p13.11.
Variant type: single nucleotide variant.
Coding change: c.5500G>A on transcript NM_002474.3 (MANE Select); coding-DNA position 5500, G replaced by A.
Protein change: p.Ala1834Thr; replaces alanine 1834 with threonine.
Molecular consequence: missense variant. On other transcripts: intron variant (2).
Genome position (GRCh38, 1-based): chr16:15,717,144, C>T on the plus strand (G>A on the coding strand, the complement: MYH11 is on the minus strand). VCF-style: chr16-15717144-C-T. GRCh37 (hg19) VCF-style: chr16-15811001-C-T.
Other names: c.5521G>A, p.Ala1841Thr (NM_001040113.2, NM_001040114.2); c.5500G>A, p.Ala1834Thr (NM_022844.3); c.948-7047C>T (NM_001143979.2, NM_017668.3); short protein forms A1841T, A1834T.
Identifiers: ClinVar variation 918892 (VCV000918892.10), dbSNP rs759734157, ClinGen allele CA7921253.

ClinVar aggregate classification (germline): Uncertain significance. Review status: criteria provided, multiple submitters, no conflicts (2 of 4 stars). 3 submissions from 3 submitters: Uncertain significance (3). Last evaluated 2026-02-01.

Conditions:
Familial thoracic aortic aneurysm and aortic dissection (TAAD). Also called: Thoracic aortic aneurysms and dissections. Identifiers: Orphanet 91387, MedGen C4707243, MONDO:0019625.
Aortic aneurysm, familial thoracic 4 (AAT4). Also called: AORTIC ANEURYSM/AORTIC DISSECTION AND PATENT DUCTUS ARTERIOSUS. Identifiers: MedGen C1851504, MONDO:0007568, OMIM 132900.

Allele frequency attached by ClinVar (database versions not stated): ExAC 0.00002; gnomAD exomes 0.00002 and 0.00004; TOPMed 0.00003; gnomAD 0.00001.
gnomAD v4.1: 17 of 1,614,096 alleles (0.0011%); highest among the groups gnomAD compares: Admixed American, 0.022%; no homozygotes.

Submissions (3):

Labcorp Genetics (formerly Invitae), Labcorp
Classification: Uncertain significance for Aortic aneurysm, familial thoracic 4. Last evaluated: 2026-02-01. Review status: criteria provided, single submitter. Criteria: Invitae Variant Classification Sherloc (09022015). Collection method: clinical testing. Allele origin: germline.
Comment: This sequence change replaces alanine, which is neutral and non-polar, with threonine, which is neutral and polar, at codon 1841 of the MYH11 protein (p.Ala1841Thr). This variant is present in population databases (rs759734157, gnomAD 0.03%). This variant has not been reported in the literature in individuals affected with MYH11-related conditions. ClinVar contains an entry for this variant (Variation ID: 918892). Invitae Evidence Modeling of protein sequence and biophysical properties (such as structural, functional, and spatial information, amino acid conservation, physicochemical variation, residue mobility, and thermodynamic stability) indicates that this missense variant is not expected to disrupt MYH11 protein function with a negative predictive value of 95%. In summary, the available evidence is currently insufficient to determine the role of this variant in disease. Therefore, it has been classified as a Variant of Uncertain Significance.

Color Diagnostics, LLC DBA Color Health
Classification: Uncertain significance for Familial thoracic aortic aneurysm and aortic dissection. Last evaluated: 2024-03-06. Review status: criteria provided, single submitter. Criteria: ACMG Guidelines, 2015. Collection method: clinical testing. Allele origin: germline.
Comment: This missense variant replaces alanine with threonine at codon 1841 of the MYH11 protein. Computational prediction suggests that this variant may not impact protein structure and function (internally defined REVEL score threshold <= 0.5, PMID: 27666373). To our knowledge, functional studies have not been reported for this variant. This variant has not been reported in individuals affected with MYH11-related disorders in the literature. This variant has been identified in 10/251028 chromosomes in the general population by the Genome Aggregation Database (gnomAD). The available evidence is insufficient to determine the role of this variant in disease conclusively. Therefore, this variant is classified as a Variant of Uncertain Significance.

Ambry Genetics
Classification: Uncertain significance for Familial thoracic aortic aneurysm and aortic dissection. Last evaluated: 2021-08-12. Review status: criteria provided, single submitter. Criteria: Ambry Variant Classification Scheme 2023. Collection method: clinical testing. Allele origin: germline.
Comment: The p.A1834T variant (also known as c.5500G>A), located in coding exon 37 of the MYH11 gene, results from a G to A substitution at nucleotide position 5500. The alanine at codon 1834 is replaced by threonine, an amino acid with similar properties. This amino acid position is conserved. In addition, this alteration is predicted to be tolerated by in silico analysis. Since supporting evidence is limited at this time, the clinical significance of this alteration remains unclear.